The following is an entry in ClinVar:

ClinVar aggregate classification (germline): Uncertain significance (1 of 4 stars; one submission).

Conditions:
Hereditary cancer-predisposing syndrome. Also called: Tumor predisposition; Hereditary neoplastic syndrome; Hereditary Cancer Syndrome; Neoplastic Syndromes, Hereditary. Identifiers: Orphanet 140162, MedGen C0027672, MeSH D009386, MONDO:0015356.

Submission:

Ambry Genetics
Classification: Uncertain significance for Hereditary cancer-predisposing syndrome. Last evaluated: 2025-06-06. Review status: criteria provided, single submitter. Criteria: Ambry Variant Classification Scheme 2023. Collection method: clinical testing. Allele origin: germline.
Comment: The p.E303A variant (also known as c.908A>C), located in coding exon 7 of the RAD51C gene, results from an A to C substitution at nucleotide position 908. The glutamic acid at codon 303 is replaced by alanine, an amino acid with dissimilar properties. This amino acid position is conserved. In addition, the in silico prediction for this alteration is inconclusive. Based on the available evidence, the clinical significance of this variant remains unclear.

NM_058216.3(RAD51C):c.908A>C (p.Glu303Ala)

Gene: RAD51C (RAD51 paralog C; plus strand). Cytogenetic location: 17q22.
Variant type: single nucleotide variant.
Coding change: c.908A>C on transcript NM_058216.3 (MANE Select); coding-DNA position 908, A replaced by C.
Protein change: p.Glu303Ala; replaces glutamic acid 303 with alanine.
Molecular consequence: missense variant. On other transcripts: non-coding transcript variant (1).
Genome position (GRCh38, 1-based): chr17:58,724,043, A>C. VCF-style: chr17-58724043-A-C. GRCh37 (hg19) VCF-style: chr17-56801404-A-C.
Other names: short protein forms E303A.
Identifiers: ClinVar variation 3942371 (VCV003942371.1).